The following is an entry in ClinVar:

ClinVar aggregate classification (germline): Pathogenic (1 of 4 stars; one submission).

Conditions:
Developmental and epileptic encephalopathy, 2 (DEE2). Also called: INFANTILE SPASM SYNDROME, X-LINKED 2; CDKL5 deficiency disorder. Identifiers: Orphanet 1934, Orphanet 3451, Orphanet 505652, MedGen C4750718, MONDO:0010396, OMIM 300672.
Angelman syndrome-like. Identifiers: MedGen CN128785.

Submission:

Labcorp Genetics (formerly Invitae), Labcorp
Classification: Pathogenic for Developmental and epileptic encephalopathy, 2; Angelman syndrome-like. Last evaluated: 2017-04-25. Review status: criteria provided, single submitter. Criteria: Invitae Variant Classification Sherloc (09022015). Collection method: clinical testing. Allele origin: germline.
Comment: This sequence change deletes 1 nucleotide from exon 5 of the CDKL5 mRNA (c.244delA), causing a frameshift at codon 82. This creates a premature translational stop signal (p.Arg82Glyfs*31) and is expected to result in an absent or disrupted protein product. While this particular variant has not been reported in the literature, loss-of-function variants in CDKL5 are known to be pathogenic (PMID: 22872100). For these reasons, this variant has been classified as Pathogenic.

Literature cited by the submitters: PubMed 22872100.

NM_001323289.2(CDKL5):c.244del (p.Arg82fs)

Gene: CDKL5 (cyclin dependent kinase like 5; plus strand). Cytogenetic location: Xp22.13.
Variant type: Deletion.
Coding change: c.244del on transcript NM_001323289.2 (MANE Select); coding-DNA position 244, one base deleted (A; older notation c.244delA).
Protein change: p.Arg82fs; shifts the reading frame from arginine 82.
Molecular consequence: frameshift variant.
Genome position (GRCh38, 1-based): chrX:18,575,452, A deleted. VCF-style (leftmost placement, unchanged base first): chrX-18575451-GA-G. GRCh37 (hg19) VCF-style: chrX-18593571-GA-G.
Other names: c.244del, p.Arg82fs (NM_001037343.2, NM_003159.3); c.244delA (NM_003159.2); short protein forms R82fs.
Identifiers: ClinVar variation 464813 (VCV000464813.7), dbSNP rs1555949041, ClinGen allele CA658658936.